The following is an entry in ClinVar:

NM_015450.3(POT1):c.747A>C (p.Gln249His)

Gene: POT1 (protection of telomeres 1; minus strand). Cytogenetic location: 7q31.33.
Variant type: single nucleotide variant.
Coding change: c.747A>C on transcript NM_015450.3 (MANE Select); coding-DNA position 747, A replaced by C.
Protein change: p.Gln249His; replaces glutamine 249 with histidine.
Molecular consequence: missense variant. On other transcripts: non-coding transcript variant (3).
Genome position (GRCh38, 1-based): chr7:124,853,094, T>G on the plus strand (A>C on the coding strand, the complement: POT1 is on the minus strand). VCF-style: chr7-124853094-T-G. GRCh37 (hg19) VCF-style: chr7-124493148-T-G.
Other names: c.354A>C, p.Gln118His (NM_001042594.2); short protein forms Q118H, Q249H.
Identifiers: ClinVar variation 1525230 (VCV001525230.6), dbSNP rs35361862, ClinGen allele CA369055636.
Genomic context (GRCh38, chr7:124,853,094, plus strand): 5'-GGTACCTCCATGAAGATGAAACTCTAAACTTAACATTGTCTGATTCTCTGAATTCATTGA[T>G]TGAAGTTTGGTATGAAGGCTATAGATTCTAAGAAAGCTTCCAACCTAAAAAATAGATCAT-3'
Protein context (NP_056265.2, residues 239-259): LRIYSLHTKL[Gln249His]SMNSENQTML

ClinVar aggregate classification (germline): Uncertain significance (1 of 4 stars; one submission).

Conditions:
Tumor predisposition syndrome 3 (TPDS3). Also called: Glioma susceptibility 9; LONG TELOMERE SYNDROME, POT1-RELATED; POT1 Tumor Predisposition; Melanoma, cutaneous malignant, susceptibility to, 10. Identifiers: Orphanet 618, MedGen C4014476, MONDO:0014368, OMIM 615848.

gnomAD v4.1: 1 of 1,607,836 alleles (0.000062%); no homozygotes.

Submission:

Labcorp Genetics (formerly Invitae), Labcorp
Classification: Uncertain significance for Tumor predisposition syndrome 3. Last evaluated: 2021-10-13. Review status: criteria provided, single submitter. Criteria: Invitae Variant Classification Sherloc (09022015). Collection method: clinical testing. Allele origin: germline.
Comment: Algorithms developed to predict the effect of missense changes on protein structure and function output the following: SIFT: "Tolerated"; PolyPhen-2: "Benign"; Align-GVGD: "Class C0". The histidine amino acid residue is found in multiple mammalian species, which suggests that this missense change does not adversely affect protein function. In summary, the available evidence is currently insufficient to determine the role of this variant in disease. Therefore, it has been classified as a Variant of Uncertain Significance. This variant has not been reported in the literature in individuals affected with POT1-related conditions. This variant is not present in population databases (ExAC no frequency). This sequence change replaces glutamine with histidine at codon 249 of the POT1 protein (p.Gln249His). The glutamine residue is moderately conserved and there is a small physicochemical difference between glutamine and histidine.